The following is an entry in ClinVar:

NM_001142864.4(PIEZO1):c.4640G>A (p.Arg1547His)

Gene: PIEZO1 (piezo type mechanosensitive ion channel component 1 (Er blood group); minus strand). Cytogenetic location: 16q24.3.
Variant type: single nucleotide variant.
Coding change: c.4640G>A on transcript NM_001142864.4 (MANE Select); coding-DNA position 4640, G replaced by A.
Protein change: p.Arg1547His; replaces arginine 1547 with histidine.
Molecular consequence: missense variant.
Genome position (GRCh38, 1-based): chr16:88,722,865, C>T on the plus strand (G>A on the coding strand, the complement: PIEZO1 is on the minus strand). VCF-style: chr16-88722865-C-T. GRCh37 (hg19) VCF-style: chr16-88789273-C-T.
Other names: c.4640G>A (NM_001142864.2); c.3182G>A, p.Arg1061His (NM_014745.1); short protein forms R1061H, R1547H.
Identifiers: ClinVar variation 2434760 (VCV002434760.7), dbSNP rs866069095, ClinGen allele CA286410067.

ClinVar aggregate classification (germline): Conflicting classifications of pathogenicity. Review status: criteria provided, conflicting classifications (1 of 4 stars). 3 submissions from 3 submitters: Uncertain significance (2); Benign (1). Last evaluated 2025-12-24.

Allele frequency attached by ClinVar (database versions not stated): TOPMed 0.00003; gnomAD 0.00003.
gnomAD v4.1: 15 of 1,547,624 alleles (0.00097%); highest among the groups gnomAD compares: East Asian, 0.0024%; no homozygotes.

Submissions (3):

Labcorp Genetics (formerly Invitae), Labcorp
Classification: Benign. Last evaluated: 2025-12-24. Review status: criteria provided, single submitter. Criteria: Invitae Variant Classification Sherloc (09022015). Collection method: clinical testing. Allele origin: germline.

GeneDx
Classification: Uncertain significance. Last evaluated: 2023-03-13. Review status: criteria provided, single submitter. Criteria: GeneDx Variant Classification Process June 2021. Collection method: clinical testing. Allele origin: germline. Affected: yes.
Comment: Not observed at significant frequency in large population cohorts (gnomAD); In silico analysis supports that this missense variant has a deleterious effect on protein structure/function; This variant is associated with the following publications: (PMID: 33897756)

Revvity Omics, Revvity
Classification: Uncertain significance. Last evaluated: 2021-12-20. Review status: criteria provided, single submitter. Criteria: ACMG Guidelines, 2015. Collection method: clinical testing. Allele origin: germline.